The following is an entry in ClinVar:

ClinVar aggregate classification (germline): Uncertain significance. Review status: criteria provided, multiple submitters, no conflicts (2 of 4 stars). 6 submissions from 6 submitters: Uncertain significance (5). 1 of the submissions does not count toward it. Last evaluated 2025-09-21.

Conditions:
Hereditary cancer-predisposing syndrome. Also called: Neoplastic Syndromes, Hereditary; Tumor predisposition; Hereditary Cancer Syndrome; Hereditary neoplastic syndrome. Identifiers: Orphanet 140162, MedGen C0027672, MeSH D009386, MONDO:0015356.
Familial cancer of breast. Also called: BREAST CANCER, FAMILIAL; hereditary breast carcinoma; Hereditary breast cancer. Identifiers: Orphanet 227535, MedGen C0346153, MONDO:0016419, OMIM 114480. Disease mechanism: loss of function.
Malignant tumor of breast. Also called: Malignant breast neoplasm; Cancer breast. Identifiers: MedGen C0006142, MONDO:0007254. Disease mechanism: loss of function.

Allele frequency attached by ClinVar (database versions not stated): gnomAD exomes below 0.00001.
gnomAD v4.1: 1 of 1,614,130 alleles (0.000062%); highest among the groups gnomAD compares: Admixed American, 0.0017%; no homozygotes.

Submissions (6):

Labcorp Genetics (formerly Invitae), Labcorp
Classification: Uncertain significance for Familial cancer of breast. Last evaluated: 2025-09-21. Review status: criteria provided, single submitter. Criteria: Invitae Variant Classification Sherloc (09022015). Collection method: clinical testing. Allele origin: germline.
Comment: This sequence change falls in intron 9 of the PALB2 gene. It does not directly change the encoded amino acid sequence of the PALB2 protein. It affects a nucleotide within the consensus splice site. This variant is not present in population databases (gnomAD no frequency). This variant has not been reported in the literature in individuals affected with PALB2-related conditions. ClinVar contains an entry for this variant (Variation ID: 232697). Variants that disrupt the consensus splice site are a relatively common cause of aberrant splicing (PMID: 17576681, 9536098). Studies have shown that this variant is associated with inconclusive levels of altered splicing (internal data). In summary, the available evidence is currently insufficient to determine the role of this variant in disease. Therefore, it has been classified as a Variant of Uncertain Significance.

Quest Diagnostics Nichols Institute San Juan Capistrano
Classification: Uncertain significance. Last evaluated: 2024-10-14. Review status: criteria provided, single submitter. Criteria: Quest Diagnostics criteria. Collection method: clinical testing. Allele origin: unknown.
Comment: The PALB2 c.2996+3A>G variant has not been reported in individuals with PALB2-related conditions in the published literature. It also has not been reported in large, multi-ethnic general populations (Genome Aggregation Database). Analysis of this variant using software algorithms for the prediction of the effect of nucleotide changes on splicing yielded predictions that this variant may affect proper PALB2 mRNA splicing. Based on the available information, we are unable to determine the clinical significance of this variant.

Ambry Genetics
Classification: Uncertain significance for Hereditary cancer-predisposing syndrome. Last evaluated: 2022-04-27. Review status: criteria provided, single submitter. Criteria: Ambry Variant Classification Scheme 2023. Collection method: clinical testing. Allele origin: germline.
Comment: The c.2996+3A>G intronic variant results from an A to G substitution 3 nucleotides after coding exon 9 in the PALB2 gene. This nucleotide position is well conserved in available vertebrate species. In silico splice site analysis for this alteration is inconclusive. Since supporting evidence is limited at this time, the clinical significance of this alteration remains unclear.

GeneDx
Classification: Uncertain significance. Last evaluated: 2021-06-18. Review status: criteria provided, single submitter. Criteria: GeneDx Variant Classification Process June 2021. Collection method: clinical testing. Allele origin: germline. Affected: yes.
Comment: Has not been previously published as pathogenic or benign to our knowledge; In-silico analysis, which includes splice predictors and evolutionary conservation, is inconclusive as to whether the variant alters gene splicing. In the absence of RNA/functional studies, the actual effect of this sequence change is unknown.; Not observed in large population cohorts (Lek 2016); This variant is associated with the following publications: (PMID: 27535533)

Color Diagnostics, LLC DBA Color Health
Classification: Uncertain significance for Hereditary cancer-predisposing syndrome. Last evaluated: 2018-12-20. Review status: criteria provided, single submitter. Criteria: ACMG Guidelines, 2015. Collection method: clinical testing. Allele origin: germline.

Department of Pathology and Laboratory Medicine, Sinai Health System
Classification: Uncertain significance for Malignant tumor of breast. Review status: no assertion criteria provided. Collection method: clinical testing. Allele origin: unknown. Affected: yes. Study: The Canadian Open Genetics Repository (COGR). Not counted in ClinVar's aggregate classification.
Comment: The PALB2 c.2996+3A>G variant was not identified in the literature nor was it identified in the Cosmic, MutDB, LOVD 3.0, or the Zhejiang University Database. The variant was identified in dbSNP (ID: rs876659931) as â€šÃ„ÃºWith Uncertain significance alleleâ€šÃ„Ã¹, and in ClinVar (1x, as uncertain significance by Ambry Genetics). The variant was not identified in the following control databases: the 1000 Genomes Project, the NHLBI GO Exome Sequencing Project, the Exome Aggregation Consortium (August 8th 2016), or the Genome Aggregation Database (Feb 27, 2017). The c.2996+3A>G variant is located in the 5' splice region but does not affect the invariant +1 and +2 positions. However, positions +3 to +6 are part of the splicing consensus sequence and variants involving these positions sometimes affect splicing. The variant occurs outside of the splicing consensus sequence and 3 of 5 in silico or computational prediction software programs (SpliceSiteFinder, MaxEntScan, NNSPLICE, GeneSplicer, HumanSpliceFinder) predict a greater than 10% difference in splicing. However, this information is not predictive enough to assume pathogenicity. In summary, based on the above information the clinical significance of this variant cannot be determined with certainty at this time. This variant is classified as a variant of uncertain significance.

Literature cited by the submitters: PubMed 17576681 (cited by Labcorp Genetics (formerly Invitae), Labcorp); PubMed 9536098 (cited by Labcorp Genetics (formerly Invitae), Labcorp).

NM_024675.4(PALB2):c.2996+3A>G

Gene: PALB2 (partner and localizer of BRCA2; minus strand). Cytogenetic location: 16p12.2.
Variant type: single nucleotide variant.
Coding change: c.2996+3A>G on transcript NM_024675.4 (MANE Select); 3 bases into the intron after coding-DNA position 2996, A replaced by G.
Molecular consequence: intron variant.
Genome position (GRCh38, 1-based): chr16:23,622,966, T>C on the plus strand (A>G on the coding strand, the complement: PALB2 is on the minus strand). VCF-style: chr16-23622966-T-C. GRCh37 (hg19) VCF-style: chr16-23634287-T-C.
Identifiers: ClinVar variation 232697 (VCV000232697.21), dbSNP rs876659931, ClinGen allele CA10579939.